The following is an entry in ClinVar:

NM_002880.4(RAF1):c.1055C>T (p.Ser352Phe)

Gene: RAF1 (Raf-1 proto-oncogene, serine/threonine kinase; minus strand). Cytogenetic location: 3p25.2.
Variant type: single nucleotide variant.
Coding change: c.1055C>T on transcript NM_002880.4 (MANE Select); coding-DNA position 1055, C replaced by T.
Protein change: p.Ser352Phe; replaces serine 352 with phenylalanine.
Molecular consequence: missense variant. On other transcripts: non-coding transcript variant (3).
Genome position (GRCh38, 1-based): chr3:12,599,744, G>A on the plus strand (C>T on the coding strand, the complement: RAF1 is on the minus strand). VCF-style: chr3-12599744-G-A. GRCh37 (hg19) VCF-style: chr3-12641243-G-A.
Other names: c.1115C>T, p.Ser372Phe (NM_001354689.3); c.1055C>T, p.Ser352Phe (NM_001354690.3); c.812C>T, p.Ser271Phe (NM_001354691.3, NM_001354692.3); c.956C>T, p.Ser319Phe (NM_001354693.3); c.872C>T, p.Ser291Phe (NM_001354694.3); c.713C>T, p.Ser238Phe (NM_001354695.3); short protein forms S271F, S352F, S238F, S291F, S319F, S372F.
Identifiers: ClinVar variation 1474876 (VCV001474876.8), dbSNP rs2125377884, ClinGen allele CA351507604.

ClinVar aggregate classification (germline): Uncertain significance (1 of 4 stars; one submission).

Conditions:
RASopathy. Also called: rasopathies; Noonan spectrum disorder. Identifiers: Orphanet 536391, MedGen C5555857, MONDO:0021060.

gnomAD v4.1: 1 of 1,614,116 alleles (0.000062%); highest among the groups gnomAD compares: Non-Finnish European, 0.000085%; no homozygotes.

Submission:

Labcorp Genetics (formerly Invitae), Labcorp
Classification: Uncertain significance for RASopathy. Last evaluated: 2021-03-24. Review status: criteria provided, single submitter. Criteria: Invitae Variant Classification Sherloc (09022015). Collection method: clinical testing. Allele origin: germline.
Comment: In summary, the available evidence is currently insufficient to determine the role of this variant in disease. Therefore, it has been classified as a Variant of Uncertain Significance. This sequence change replaces serine with phenylalanine at codon 352 of the RAF1 protein (p.Ser352Phe). The serine residue is moderately conserved and there is a large physicochemical difference between serine and phenylalanine. This variant is not present in population databases (ExAC no frequency). This variant has not been reported in the literature in individuals with RAF1-related conditions. Advanced modeling of protein sequence and biophysical properties (such as structural, functional, and spatial information, amino acid conservation, physicochemical variation, residue mobility, and thermodynamic stability) performed at Invitae indicates that this missense variant is expected to disrupt RAF1 protein function.